The following is an entry in ClinVar:

ClinVar aggregate classification (germline): Uncertain significance (1 of 4 stars; one submission).

Conditions:
Trichorhinophalangeal syndrome, type III (TRPS3). Also called: SUGIO-KAJII SYNDROME. Identifiers: Orphanet 77258, MedGen C1860823, OMIM 190351, MONDO:0008597.
Trichorhinophalangeal dysplasia type I (TRPS1). Also called: TRPS I; TRICHORHINOPHALANGEAL SYNDROME, TYPE I. Identifiers: Orphanet 77258, MedGen C0432233, MONDO:0008596, OMIM 190350.

Allele frequency attached by ClinVar (database versions not stated): gnomAD 0.00004 and 0.00005; ESP Exome Variant Server 0.00008; TOPMed 0.00008; 1000 Genomes Project 30x 0.00016; 1000 Genomes Project 0.00020.

Submission:

Labcorp Genetics (formerly Invitae), Labcorp
Classification: Uncertain significance for Trichorhinophalangeal syndrome, type III; Trichorhinophalangeal dysplasia type I. Last evaluated: 2024-10-13. Review status: criteria provided, single submitter. Criteria: Invitae Variant Classification Sherloc (09022015). Collection method: clinical testing. Allele origin: germline.
Comment: This sequence change replaces methionine, which is neutral and non-polar, with leucine, which is neutral and non-polar, at codon 1242 of the TRPS1 protein (p.Met1242Leu). This variant is present in population databases (rs374209544, gnomAD 0.02%). This variant has not been reported in the literature in individuals affected with TRPS1-related conditions. ClinVar contains an entry for this variant (Variation ID: 1506027). Invitae Evidence Modeling of protein sequence and biophysical properties (such as structural, functional, and spatial information, amino acid conservation, physicochemical variation, residue mobility, and thermodynamic stability) indicates that this missense variant is not expected to disrupt TRPS1 protein function with a negative predictive value of 80%. In summary, the available evidence is currently insufficient to determine the role of this variant in disease. Therefore, it has been classified as a Variant of Uncertain Significance.

NM_014112.5(TRPS1):c.3724A>C (p.Met1242Leu)

Gene: TRPS1 (transcriptional repressor GATA binding 1; minus strand). Cytogenetic location: 8q23.3.
Variant type: single nucleotide variant.
Coding change: c.3724A>C on transcript NM_014112.5 (MANE Select); coding-DNA position 3724, A replaced by C.
Protein change: p.Met1242Leu; replaces methionine 1242 with leucine.
Molecular consequence: missense variant.
Genome position (GRCh38, 1-based): chr8:115,414,184, T>G on the plus strand (A>C on the coding strand, the complement: TRPS1 is on the minus strand). VCF-style: chr8-115414184-T-G. GRCh37 (hg19) VCF-style: chr8-116426412-T-G.
Other names: c.3697A>C, p.Met1233Leu (NM_001282902.3); c.3703A>C, p.Met1235Leu (NM_001282903.3); c.3685A>C, p.Met1229Leu (NM_001330599.2); short protein forms M1229L, M1233L, M1235L, M1242L.
Identifiers: ClinVar variation 1506027 (VCV001506027.7), dbSNP rs374209544, ClinGen allele CA4851452.